The following is an entry in ClinVar:

NM_152393.4(KLHL40):c.433T>G (p.Cys145Gly)

Gene: KLHL40 (kelch like family member 40; plus strand). Cytogenetic location: 3p22.1.
Variant type: single nucleotide variant.
Coding change: c.433T>G on transcript NM_152393.4 (MANE Select); coding-DNA position 433, T replaced by G.
Protein change: p.Cys145Gly; replaces cysteine 145 with glycine.
Molecular consequence: missense variant.
Genome position (GRCh38, 1-based): chr3:42,686,051, T>G. VCF-style: chr3-42686051-T-G. GRCh37 (hg19) VCF-style: chr3-42727543-T-G.
Other names: c.433T>G (NM_152393.2); short protein forms C145G.
Identifiers: ClinVar variation 3371664 (VCV003371664.2).

ClinVar aggregate classification (germline): Uncertain significance. Review status: criteria provided, multiple submitters, no conflicts (2 of 4 stars). 2 submissions from 2 submitters: Uncertain significance (2). Last evaluated 2025-11-24.

Conditions:
Inborn genetic diseases. Identifiers: MedGen C0950123, MeSH D030342.

gnomAD v4.1: 2 of 1,606,778 alleles (0.00012%); highest among the groups gnomAD compares: Non-Finnish European, 0.00017%; no homozygotes.

Submissions (2):

Ambry Genetics
Classification: Uncertain significance for Inborn genetic diseases. Last evaluated: 2025-11-24. Review status: criteria provided, single submitter. Criteria: Ambry Variant Classification Scheme 2023. Collection method: clinical testing. Allele origin: germline.

GeneDx
Classification: Uncertain significance. Last evaluated: 2024-04-03. Review status: criteria provided, single submitter. Criteria: GeneDx Variant Classification Process June 2021. Collection method: clinical testing. Allele origin: germline. Affected: yes.
Comment: Not observed at significant frequency in large population cohorts (gnomAD); In silico analysis supports that this missense variant has a deleterious effect on protein structure/function; Has not been previously published as pathogenic or benign to our knowledge